The following is an entry in ClinVar:

NM_000257.4(MYH7):c.5167C>T (p.Leu1723Phe)

Genes: MHRT (myosin heavy chain associated RNA transcript; plus strand), MYH7 (myosin heavy chain 7; minus strand), LOC126861897 (BRD4-independent group 4 enhancer GRCh37_chr14:23884455-23885654; plus strand). Cytogenetic location: 14q11.2.
Variant type: single nucleotide variant.
Coding change: c.5167C>T on transcript NM_000257.4 (MANE Select); coding-DNA position 5167, C replaced by T.
Protein change: p.Leu1723Phe; replaces leucine 1723 with phenylalanine.
Molecular consequence: missense variant. On other transcripts: non-coding transcript variant (1).
Genome position (GRCh38, 1-based): chr14:23,415,497, G>A on the plus strand (C>T on the coding strand, the complement: MYH7 is on the minus strand). VCF-style: chr14-23415497-G-A. GRCh37 (hg19) VCF-style: chr14-23884706-G-A.
Other names: short protein forms L1723F.
Identifiers: ClinVar variation 566112 (VCV000566112.9), dbSNP rs1566523027, ClinGen allele CA389036811.

ClinVar aggregate classification (germline): Uncertain significance (1 of 4 stars; one submission).

Conditions:
Hypertrophic cardiomyopathy. Also called: HYPERTROPHIC MYOCARDIOPATHY. Identifiers: Orphanet 217569, MedGen C0007194, MeSH D002312, MONDO:0005045, HP:0001639.

Allele frequency attached by ClinVar (database versions not stated): TOPMed below 0.00001; gnomAD 0.00001.
gnomAD v4.1: 1 of 1,614,078 alleles (0.000062%); highest among the groups gnomAD compares: African/African-American, 0.0013%; no homozygotes.

Submission:

Labcorp Genetics (formerly Invitae), Labcorp
Classification: Uncertain significance for Hypertrophic cardiomyopathy. Last evaluated: 2022-10-25. Review status: criteria provided, single submitter. Criteria: Invitae Variant Classification Sherloc (09022015). Collection method: clinical testing. Allele origin: germline.
Comment: In summary, the available evidence is currently insufficient to determine the role of this variant in disease. Therefore, it has been classified as a Variant of Uncertain Significance. This sequence change replaces leucine, which is neutral and non-polar, with phenylalanine, which is neutral and non-polar, at codon 1723 of the MYH7 protein (p.Leu1723Phe). This variant is not present in population databases (gnomAD no frequency). This variant has not been reported in the literature in individuals affected with MYH7-related conditions. ClinVar contains an entry for this variant (Variation ID: 566112). Advanced modeling of protein sequence and biophysical properties (such as structural, functional, and spatial information, amino acid conservation, physicochemical variation, residue mobility, and thermodynamic stability) performed at Invitae indicates that this missense variant is expected to disrupt MYH7 protein function.